The following is an entry in ClinVar:

ClinVar aggregate classification (germline): Uncertain significance (1 of 4 stars; one submission).

Allele frequency attached by ClinVar (database versions not stated): gnomAD exomes below 0.00001.
gnomAD v4.1: 3 of 1,613,892 alleles (0.00019%); highest among the groups gnomAD compares: South Asian, 0.0011%; no homozygotes.

Submission:

Labcorp Genetics (formerly Invitae), Labcorp
Classification: Uncertain significance. Last evaluated: 2022-05-28. Review status: criteria provided, single submitter. Criteria: Invitae Variant Classification Sherloc (09022015). Collection method: clinical testing. Allele origin: germline.
Comment: This sequence change replaces glycine, which is neutral and non-polar, with aspartic acid, which is acidic and polar, at codon 820 of the KIAA1549 protein (p.Gly820Asp). This variant is not present in population databases (gnomAD no frequency). This variant has not been reported in the literature in individuals affected with KIAA1549-related conditions. Algorithms developed to predict the effect of missense changes on protein structure and function output the following: SIFT: "Tolerated"; PolyPhen-2: "Benign"; Align-GVGD: "Class C0". The aspartic acid amino acid residue is found in multiple mammalian species, which suggests that this missense change does not adversely affect protein function. In summary, the available evidence is currently insufficient to determine the role of this variant in disease. Therefore, it has been classified as a Variant of Uncertain Significance.

NM_001164665.2(KIAA1549):c.2459G>A (p.Gly820Asp)

Gene: KIAA1549 (KIAA1549; minus strand). Cytogenetic location: 7q34.
Variant type: single nucleotide variant.
Coding change: c.2459G>A on transcript NM_001164665.2 (MANE Select); coding-DNA position 2459, G replaced by A.
Protein change: p.Gly820Asp; replaces glycine 820 with aspartic acid.
Molecular consequence: missense variant.
Genome position (GRCh38, 1-based): chr7:138,917,167, C>T on the plus strand (G>A on the coding strand, the complement: KIAA1549 is on the minus strand). VCF-style: chr7-138917167-C-T. GRCh37 (hg19) VCF-style: chr7-138601913-C-T.
Other names: c.2459G>A, p.Gly820Asp (NM_020910.3); short protein forms G820D.
Identifiers: ClinVar variation 1999973 (VCV001999973.4), dbSNP rs2485556252, ClinGen allele CA369392612.